The following is an entry in ClinVar:

ClinVar aggregate classification (germline): Uncertain significance (1 of 4 stars; one submission).

Submission:

Labcorp Genetics (formerly Invitae), Labcorp
Classification: Uncertain significance. Last evaluated: 2021-12-15. Review status: criteria provided, single submitter. Criteria: Invitae Variant Classification Sherloc (09022015). Collection method: clinical testing. Allele origin: germline.
Comment: This sequence change replaces arginine, which is basic and polar, with proline, which is neutral and non-polar, at codon 509 of the CRAT protein (p.Arg509Pro). This variant is not present in population databases (gnomAD no frequency). This variant has not been reported in the literature in individuals affected with CRAT-related conditions. Algorithms developed to predict the effect of missense changes on protein structure and function (SIFT, PolyPhen-2, Align-GVGD) all suggest that this variant is likely to be tolerated. In summary, the available evidence is currently insufficient to determine the role of this variant in disease. Therefore, it has been classified as a Variant of Uncertain Significance.

NM_000755.5(CRAT):c.1526G>C (p.Arg509Pro)

Gene: CRAT (carnitine O-acetyltransferase; minus strand). Cytogenetic location: 9q34.11.
Variant type: single nucleotide variant.
Coding change: c.1526G>C on transcript NM_000755.5 (MANE Select); coding-DNA position 1526, G replaced by C.
Protein change: p.Arg509Pro; replaces arginine 509 with proline.
Molecular consequence: missense variant.
Genome position (GRCh38, 1-based): chr9:129,097,251, C>G on the plus strand (G>C on the coding strand, the complement: CRAT is on the minus strand). VCF-style: chr9-129097251-C-G. GRCh37 (hg19) VCF-style: chr9-131859530-C-G.
Other names: c.1463G>C, p.Arg488Pro (NM_001257363.3, NM_001346548.2, NM_004003.4); c.1529G>C, p.Arg510Pro (NM_001346546.2); c.1526G>C, p.Arg509Pro (NM_001346547.2); c.1406G>C, p.Arg469Pro (NM_001346549.2); short protein forms R509P, R488P, R469P, R510P.
Identifiers: ClinVar variation 1961228 (VCV001961228.5), dbSNP rs752905722, ClinGen allele CA375140597.